The following is an entry in ClinVar:

NM_001170700.3(DTHD1):c.2315G>T (p.Cys772Phe)

Gene: DTHD1 (death domain containing 1; plus strand). Cytogenetic location: 4p14.
Variant type: single nucleotide variant.
Coding change: c.2315G>T on transcript NM_001170700.3 (MANE Select); coding-DNA position 2315, G replaced by T.
Protein change: p.Cys772Phe; replaces cysteine 772 with phenylalanine.
Molecular consequence: missense variant. On other transcripts: non-coding transcript variant (2).
Genome position (GRCh38, 1-based): chr4:36,316,461, G>T. VCF-style: chr4-36316461-G-T. GRCh37 (hg19) VCF-style: chr4-36318083-G-T.
Other names: c.1445G>T, p.Cys482Phe (NM_001136536.5); c.1382G>T, p.Cys461Phe (NM_001378435.1); short protein forms C461F, C772F, C482F.
Identifiers: ClinVar variation 955210 (VCV000955210.7), dbSNP rs769437545, ClinGen allele CA2885724.
Genomic context (GRCh38, chr4:36,316,461, plus strand): 5'-TAGTCCCCAACTTGAATCAATCTCTCGTAATTAATGAAAACCATTCTCAGTTGCCAATTT[G>T]CAAATTACCATTGAAATTGCCAAAGGTGAGTTATTTTACTTTTCTAATTACTACATTTTG-3'
Protein context (NP_001164171.2, residues 762-782): INENHSQLPI[Cys772Phe]KLPLKLPKHK

ClinVar aggregate classification (germline): Uncertain significance (1 of 4 stars; one submission).

Allele frequency attached by ClinVar (database versions not stated): gnomAD exomes 0.00003 and 0.00005; gnomAD 0.00004; ExAC 0.00005; TOPMed 0.00005.
gnomAD v4.1: 67 of 1,548,950 alleles (0.0043%); highest among the groups gnomAD compares: Non-Finnish European, 0.0056%; no homozygotes.

Submission:

Labcorp Genetics (formerly Invitae), Labcorp
Classification: Uncertain significance. Last evaluated: 2026-01-04. Review status: criteria provided, single submitter. Criteria: Invitae Variant Classification Sherloc (09022015). Collection method: clinical testing. Allele origin: germline.
Comment: This sequence change replaces cysteine, which is neutral and slightly polar, with phenylalanine, which is neutral and non-polar, at codon 482 of the DTHD1 protein (p.Cys482Phe). This variant is present in population databases (rs769437545, gnomAD 0.007%). This variant has not been reported in the literature in individuals affected with DTHD1-related conditions. ClinVar contains an entry for this variant (Variation ID: 955210). An algorithm developed to predict the effect of missense changes on protein structure and function outputs the following: PolyPhen-2: "Benign". The phenylalanine amino acid residue is found in multiple mammalian species, which suggests that this missense change does not adversely affect protein function. In summary, the available evidence is currently insufficient to determine the role of this variant in disease. Therefore, it has been classified as a Variant of Uncertain Significance.